The following is an entry in ClinVar:

ClinVar aggregate classification (germline): Uncertain significance (1 of 4 stars; one submission).

Conditions:
Inborn genetic diseases. Identifiers: MedGen C0950123, MeSH D030342.

gnomAD v4.1: 2 of 1,613,788 alleles (0.00012%); highest among the groups gnomAD compares: African/African-American, 0.0027%; no homozygotes.

Submission:

Ambry Genetics
Classification: Uncertain significance for Inborn genetic diseases. Last evaluated: 2025-04-07. Review status: criteria provided, single submitter. Criteria: Ambry Variant Classification Scheme 2023. Collection method: clinical testing. Allele origin: germline.
Comment: The p.S674T variant (also known as c.2020T>A), located in coding exon 1 of the SAMD9L gene, results from a T to A substitution at nucleotide position 2020. The serine at codon 674 is replaced by threonine, an amino acid with similar properties. This amino acid position is conserved. In addition, this alteration is predicted to be tolerated by in silico analysis. Based on the available evidence, the clinical significance of this variant remains unclear.

NM_152703.5(SAMD9L):c.2020T>A (p.Ser674Thr)

Gene: SAMD9L (sterile alpha motif domain containing 9 like; minus strand). Cytogenetic location: 7q21.2.
Variant type: single nucleotide variant.
Coding change: c.2020T>A on transcript NM_152703.5 (MANE Select); coding-DNA position 2020, T replaced by A.
Protein change: p.Ser674Thr; replaces serine 674 with threonine.
Molecular consequence: missense variant.
Genome position (GRCh38, 1-based): chr7:93,133,952, A>T on the plus strand (T>A on the coding strand, the complement: SAMD9L is on the minus strand). VCF-style: chr7-93133952-A-T. GRCh37 (hg19) VCF-style: chr7-92763265-A-T.
Other names: c.2020T>A, p.Ser674Thr (NM_001303496.3, NM_001303497.3, NM_001303498.3 and 5 more transcripts); short protein forms S674T.
Identifiers: ClinVar variation 3949816 (VCV003949816.1).